The following is an entry in ClinVar:

ClinVar aggregate classification (germline): Conflicting classifications of pathogenicity. Review status: criteria provided, conflicting classifications (1 of 4 stars). 3 submissions from 3 submitters: Uncertain significance (2); Likely benign (1). Last evaluated 2024-09-20.

Conditions:
Inborn genetic diseases. Identifiers: MedGen C0950123, MeSH D030342.
Microcephalic primordial dwarfism due to ZNF335 deficiency. Also called: Primary autosomal recessive microcephaly 10. Identifiers: Orphanet 329228, MedGen C3554499, MONDO:0014043, OMIM 615095.

Allele frequency attached by ClinVar (database versions not stated): TOPMed 0.00003; gnomAD 0.00005; ESP Exome Variant Server 0.00008; ExAC 0.00012.
gnomAD v4.1: 60 of 1,614,114 alleles (0.0037%); highest among the groups gnomAD compares: Middle Eastern, 0.049%; no homozygotes.

Submissions (3):

3billion
Classification: Likely benign for Microcephalic primordial dwarfism due to ZNF335 deficiency. Last evaluated: 2024-09-20. Review status: criteria provided, single submitter. Criteria: ACMG Guidelines, 2015. Collection method: clinical testing. Allele origin: germline. Affected: no.
Comment: The homozygous variant was found in patients diagnosed with another variant in a different gene, with no symptoms related to the gene containing the homozygous variant.

Labcorp Genetics (formerly Invitae), Labcorp
Classification: Uncertain significance. Last evaluated: 2023-08-30. Review status: criteria provided, single submitter. Criteria: Invitae Variant Classification Sherloc (09022015). Collection method: clinical testing. Allele origin: germline.
Comment: In summary, the available evidence is currently insufficient to determine the role of this variant in disease. Therefore, it has been classified as a Variant of Uncertain Significance. Advanced modeling of protein sequence and biophysical properties (such as structural, functional, and spatial information, amino acid conservation, physicochemical variation, residue mobility, and thermodynamic stability) performed at Invitae indicates that this missense variant is not expected to disrupt ZNF335 protein function. ClinVar contains an entry for this variant (Variation ID: 2167571). This variant has not been reported in the literature in individuals affected with ZNF335-related conditions. This variant is present in population databases (rs372834668, gnomAD 0.02%). This sequence change replaces valine, which is neutral and non-polar, with methionine, which is neutral and non-polar, at codon 566 of the ZNF335 protein (p.Val566Met).

Ambry Genetics
Classification: Uncertain significance for Inborn genetic diseases. Last evaluated: 2021-09-30. Review status: criteria provided, single submitter. Criteria: Ambry Variant Classification Scheme 2023. Collection method: clinical testing. Allele origin: germline.

NM_022095.4(ZNF335):c.1696G>A (p.Val566Met)

Gene: ZNF335 (zinc finger protein 335; minus strand). Cytogenetic location: 20q13.12.
Variant type: single nucleotide variant.
Coding change: c.1696G>A on transcript NM_022095.4 (MANE Select); coding-DNA position 1696, G replaced by A.
Protein change: p.Val566Met; replaces valine 566 with methionine.
Molecular consequence: missense variant.
Genome position (GRCh38, 1-based): chr20:45,960,702, C>T on the plus strand (G>A on the coding strand, the complement: ZNF335 is on the minus strand). VCF-style: chr20-45960702-C-T. GRCh37 (hg19) VCF-style: chr20-44589341-C-T.
Other names: c.1696G>A (NM_022095.3); short protein forms V566M.
Identifiers: ClinVar variation 2167571 (VCV002167571.4), dbSNP rs372834668, ClinGen allele CA9885625.